The following is an entry in ClinVar:

ClinVar aggregate classification (germline): Conflicting classifications of pathogenicity. Review status: criteria provided, conflicting classifications (1 of 4 stars). 2 submissions from 2 submitters: Uncertain significance (1); Likely benign (1). Last evaluated 2025-02-11.

Conditions:
Inborn genetic diseases. Identifiers: MedGen C0950123, MeSH D030342.

Allele frequency attached by ClinVar (database versions not stated): gnomAD exomes below 0.00001 and 0.00001; gnomAD 0.00001.
gnomAD v4.1: 2 of 1,613,968 alleles (0.00012%); highest among the groups gnomAD compares: Admixed American, 0.0033%; no homozygotes.

Submissions (2):

Labcorp Genetics (formerly Invitae), Labcorp
Classification: Uncertain significance. Last evaluated: 2025-02-11. Review status: criteria provided, single submitter. Criteria: Invitae Variant Classification Sherloc (09022015). Collection method: clinical testing. Allele origin: germline.
Comment: This sequence change replaces alanine, which is neutral and non-polar, with threonine, which is neutral and polar, at codon 2341 of the VCAN protein (p.Ala2341Thr). This variant is present in population databases (no rsID available, gnomAD 0.006%). This missense change has been observed in individual(s) with clinical features of VCAN-related conditions (internal data). ClinVar contains an entry for this variant (Variation ID: 1473791). An algorithm developed to predict the effect of missense changes on protein structure and function outputs the following: PolyPhen-2: "Benign". The threonine amino acid residue is found in multiple mammalian species, which suggests that this missense change does not adversely affect protein function. In summary, the available evidence is currently insufficient to determine the role of this variant in disease. Therefore, it has been classified as a Variant of Uncertain Significance.

Ambry Genetics
Classification: Likely benign for Inborn genetic diseases. Last evaluated: 2024-11-18. Review status: criteria provided, single submitter. Criteria: Ambry Variant Classification Scheme 2023. Collection method: clinical testing. Allele origin: germline.

NM_004385.5(VCAN):c.7021G>A (p.Ala2341Thr)

Genes: VCAN (versican; plus strand), VCAN-AS1 (VCAN antisense RNA 1; minus strand). Cytogenetic location: 5q14.3.
Variant type: single nucleotide variant.
Coding change: c.7021G>A on transcript NM_004385.5 (MANE Select); coding-DNA position 7021, G replaced by A.
Protein change: p.Ala2341Thr; replaces alanine 2341 with threonine.
Molecular consequence: missense variant. On other transcripts: intron variant (2).
Genome position (GRCh38, 1-based): chr5:83,540,024, G>A. VCF-style: chr5-83540024-G-A. GRCh37 (hg19) VCF-style: chr5-82835843-G-A.
Other names: c.7021G>A (NM_004385.4); c.4060G>A, p.Ala1354Thr (NM_001164097.2); c.4004-5513G>A (NM_001164098.2); c.1043-5513G>A (NM_001126336.3); short protein forms A1354T, A2341T.
Identifiers: ClinVar variation 1473791 (VCV001473791.9), dbSNP rs1248597388, ClinGen allele CA360313847.